The following is an entry in ClinVar:

NM_000441.2(SLC26A4):c.463A>G (p.Met155Val)

Gene: SLC26A4 (solute carrier family 26 member 4; plus strand). Cytogenetic location: 7q22.3.
Variant type: single nucleotide variant.
Coding change: c.463A>G on transcript NM_000441.2 (MANE Select); coding-DNA position 463, A replaced by G.
Protein change: p.Met155Val; replaces methionine 155 with valine.
Molecular consequence: missense variant.
Genome position (GRCh38, 1-based): chr7:107,674,211, A>G. VCF-style: chr7-107674211-A-G. GRCh37 (hg19) VCF-style: chr7-107314656-A-G.
Other names: short protein forms M155V.
Identifiers: ClinVar variation 229259 (VCV000229259.10), dbSNP rs201931861, ClinGen allele CA4432486.

ClinVar aggregate classification (germline): Uncertain significance. Review status: criteria provided, multiple submitters, no conflicts (2 of 4 stars). 5 submissions from 5 submitters: Uncertain significance (4). 1 of the submissions does not count toward it. Last evaluated 2026-09-24.

Conditions:
Pendred syndrome (PDS). Also called: GOITER-DEAFNESS SYNDROME; HYPOTHYROIDISM, CONGENITAL, DUE TO DYSHORMONOGENESIS, 2B; THYROID DYSHORMONOGENESIS 2B; THYROID HORMONOGENESIS, GENETIC DEFECT IN, 2B; Pendred Syndrome (PDS); DEAFNESS WITH GOITER. Identifiers: Orphanet 705, MedGen C0271829, MONDO:0010134, OMIM 274600.

Allele frequency attached by ClinVar (database versions not stated): ExAC 0.00004; gnomAD exomes below 0.00001 and 0.00002; TOPMed 0.00002; gnomAD 0.00004; 1000 Genomes Project 0.00020; 1000 Genomes Project 30x 0.00031.

Submissions (5):

GeneDx
Classification: Uncertain significance. Last evaluated: 2026-09-24. Review status: criteria provided, single submitter. Criteria: GeneDx Variant Classification Process June 2021. Collection method: clinical testing. Allele origin: germline.
Comment: Reported without a second variant in a patient with high frequency sensorineural hearing loss in published literature (PMID: 25528277); In silico analysis suggests that this missense variant does not alter protein structure/function; This variant is associated with the following publications: (PMID: 21704276, 25528277)

Women's Health and Genetics/Laboratory Corporation of America, LabCorp
Classification: Uncertain significance. Last evaluated: 2024-12-23. Review status: criteria provided, single submitter. Criteria: LabCorp Variant Classification Summary - May 2015. Collection method: clinical testing. Allele origin: germline.
Comment: Variant summary: SLC26A4 c.463A>G (p.Met155Val) results in a conservative amino acid change in the encoded protein sequence. Three of four in-silico tools predict a benign effect of the variant on protein function. The variant allele was found at a frequency of 2.4e-05 in 251478 control chromosomes. The available data on variant occurrences in the general population are insufficient to allow any conclusion about variant significance. c.463A>G has been reported in the literature in individuals affected with Pendred Syndrome or hearing loss, without strong evidence for causality (Chen_2011, Haraksingh_2014). These report(s) do not provide unequivocal conclusions about association of the variant with Pendred Syndrome. To our knowledge, no experimental evidence demonstrating an impact on protein function has been reported. The following publications have been ascertained in the context of this evaluation (PMID: 21704276, 25528277). ClinVar contains an entry for this variant (Variation ID: 229259). Based on the evidence outlined above, the variant was classified as uncertain significance.

Blueprint Genetics
Classification: Uncertain significance. Last evaluated: 2024-10-21. Review status: criteria provided, single submitter. Criteria: ACMG Guidelines, 2015. Collection method: clinical testing. Allele origin: germline.

Laboratory for Molecular Medicine, Mass General Brigham Personalized Medicine
Classification: Uncertain significance. Last evaluated: 2016-01-21. Review status: criteria provided, single submitter. Criteria: LMM Criteria. Collection method: clinical testing. Allele origin: germline. Observed: 1 variant allele.
Comment: The p.Met155Val variant in SLC26A4 has been previously reported in at least one individual with hearing loss (Chen 2011, Haraksingh 2014); however, a variant af fecting the remaining copy of SLC26A4 was not reported. This variant was identi fied in 1/66738 European and 4/8654 East Asian chromosomes by the Exome Aggregat ion Consortium (ExAC; dbSNP rs201931861); howeve r its frequency is not high enough to rule out a pathogenic role. Computational prediction tools and conservation analyses do not provide strong support for or against an impact to the protein. In summary, the clinical significance of the p .Met155Val variant is uncertain.

Natera, Inc.
Classification: Uncertain significance for Pendred syndrome. Last evaluated: 2020-09-16. Review status: no assertion criteria provided. Collection method: clinical testing. Allele origin: germline. Not counted in ClinVar's aggregate classification.

Literature cited by the submitters: PubMed 21704276 (cited by Women's Health and Genetics/Laboratory Corporation of America, LabCorp and Laboratory for Molecular Medicine, Mass General Brigham Personalized Medicine); PubMed 25528277 (cited by Women's Health and Genetics/Laboratory Corporation of America, LabCorp and Laboratory for Molecular Medicine, Mass General Brigham Personalized Medicine).